The following is an entry in ClinVar:

NM_001202.6(BMP4):c.533T>G (p.Ile178Arg)

Gene: BMP4 (bone morphogenetic protein 4; minus strand). Cytogenetic location: 14q22.2.
Variant type: single nucleotide variant.
Coding change: c.533T>G on transcript NM_001202.6 (MANE Select); coding-DNA position 533, T replaced by G.
Protein change: p.Ile178Arg; replaces isoleucine 178 with arginine.
Molecular consequence: missense variant.
Genome position (GRCh38, 1-based): chr14:53,950,726, A>C on the plus strand (T>G on the coding strand, the complement: BMP4 is on the minus strand). VCF-style: chr14-53950726-A-C. GRCh37 (hg19) VCF-style: chr14-54417444-A-C.
Other names: c.674T>G, p.Ile225Arg (NM_001347912.1); c.344T>G, p.Ile115Arg (NM_001347913.2, NM_001347915.2, NM_001347917.1); c.533T>G, p.Ile178Arg (NM_001347914.2, NM_001347916.1, NM_130850.5 and 1 more transcripts); short protein forms I115R, I178R, I225R.
Identifiers: ClinVar variation 4813345 (VCV004813345.1).

ClinVar aggregate classification (germline): Likely pathogenic (1 of 4 stars; one submission).

Conditions:
Microphthalmia with brain and digit anomalies (MCOPS6). Also called: Microphthalmia, syndromic 6; MICROPHTHALMIA AND PITUITARY ANOMALIES. Identifiers: Orphanet 139471, MedGen C1864689, MONDO:0011936, OMIM 607932.

Submission:

Groupe Hospitalier Pitie Salpetriere, Uf Genomique Du Developpement, Assistance Publique Hopitaux de Paris Sorbonne Université
Classification: Likely pathogenic for Microphthalmia with brain and digit anomalies. Last evaluated: 2024-08-01. Review status: criteria provided, single submitter. Criteria: ACMG Guidelines, 2015. Collection method: clinical testing. Allele origin: germline. Affected: yes.
Comment: This variant is absent or extremely rare in population databases (PM2_supp), cosegregation with disease in multiple affected family members (PP1), multiple lines of computational evidence support a deleterious effect on the gene or gene product (PP3) and the patients phenotype or family history is highly specific for a disease with a single genetic etiology (PP4)